The following is an entry in ClinVar:

NM_001844.5(COL2A1):c.102T>G (p.Cys34Trp)

Gene: COL2A1 (collagen type II alpha 1 chain; minus strand). Cytogenetic location: 12q13.11.
Variant type: single nucleotide variant.
Coding change: c.102T>G on transcript NM_001844.5 (MANE Select); coding-DNA position 102, T replaced by G.
Protein change: p.Cys34Trp; replaces cysteine 34 with tryptophan.
Molecular consequence: missense variant. On other transcripts: intron variant (1).
Genome position (GRCh38, 1-based): chr12:48,000,109, A>C on the plus strand (T>G on the coding strand, the complement: COL2A1 is on the minus strand). VCF-style: chr12-48000109-A-C. GRCh37 (hg19) VCF-style: chr12-48393892-A-C.
Other names: c.86-1678T>G (NM_033150.3); short protein forms C34W.
Identifiers: ClinVar variation 1483132 (VCV001483132.6), dbSNP rs2136637552, ClinGen allele CA384526772.

ClinVar aggregate classification (germline): Uncertain significance (1 of 4 stars; one submission).

Submission:

Labcorp Genetics (formerly Invitae), Labcorp
Classification: Uncertain significance. Last evaluated: 2021-10-20. Review status: criteria provided, single submitter. Criteria: Invitae Variant Classification Sherloc (09022015). Collection method: clinical testing. Allele origin: germline.
Comment: This sequence change replaces cysteine, a(n) neutral and slightly polar amino acid, with tryptophan, a(n) neutral and slightly polar amino acid, at codon 34 of the COL2A1 protein (p.Cys34Trp). This variant is not present in population databases (gnomAD no frequency). This variant has not been reported in the literature in individuals affected with COL2A1-related conditions. Advanced modeling of protein sequence and biophysical properties (such as structural, functional, and spatial information, amino acid conservation, physicochemical variation, residue mobility, and thermodynamic stability) performed at Invitae indicates that this missense variant is expected to disrupt COL2A1 protein function. In summary, the available evidence is currently insufficient to determine the role of this variant in disease. Therefore, it has been classified as a Variant of Uncertain Significance.